The following is an entry in ClinVar:

ClinVar aggregate classification (germline): Uncertain significance. Review status: criteria provided, multiple submitters, no conflicts (2 of 4 stars). 2 submissions from 2 submitters: Uncertain significance (2). Last evaluated 2025-06-09.

Conditions:
Hereditary cancer-predisposing syndrome. Also called: Neoplastic Syndromes, Hereditary; Hereditary neoplastic syndrome; Tumor predisposition; Hereditary Cancer Syndrome. Identifiers: Orphanet 140162, MedGen C0027672, MeSH D009386, MONDO:0015356.
Cardiovascular phenotype. Identifiers: MedGen CN230736.
Neurofibromatosis, type 1 (NF1). Also called: VON RECKLINGHAUSEN DISEASE; NEUROFIBROMATOSIS, TYPE I, SOMATIC; Peripheral type neurofibromatosis; Neurofibromatosis, type I. Identifiers: Orphanet 636, MedGen C0027831, MONDO:0018975, OMIM 162200. Disease mechanism: loss of function.

Submissions (2):

Ambry Genetics
Classification: Uncertain significance for Cardiovascular phenotype; Hereditary cancer-predisposing syndrome. Last evaluated: 2025-06-09. Review status: criteria provided, single submitter. Criteria: Ambry Variant Classification Scheme 2023. Collection method: clinical testing. Allele origin: germline.
Comment: The p.S1072N variant (also known as c.3215G>A), located in coding exon 25 of the NF1 gene, results from a G to A substitution at nucleotide position 3215. The serine at codon 1072 is replaced by asparagine, an amino acid with highly similar properties. This amino acid position is conserved. In addition, this alteration is predicted to be tolerated by in silico analysis. Based on the available evidence, the clinical significance of this variant remains unclear.

Labcorp Genetics (formerly Invitae), Labcorp
Classification: Uncertain significance for Neurofibromatosis, type 1. Last evaluated: 2024-08-30. Review status: criteria provided, single submitter. Criteria: Invitae Variant Classification Sherloc (09022015). Collection method: clinical testing. Allele origin: germline.
Comment: This sequence change replaces serine, which is neutral and polar, with asparagine, which is neutral and polar, at codon 1072 of the NF1 protein (p.Ser1072Asn). This variant is not present in population databases (gnomAD no frequency). This variant has not been reported in the literature in individuals affected with NF1-related conditions. ClinVar contains an entry for this variant (Variation ID: 660292). Invitae Evidence Modeling of protein sequence and biophysical properties (such as structural, functional, and spatial information, amino acid conservation, physicochemical variation, residue mobility, and thermodynamic stability) has been performed for this missense variant. However, the output from this modeling did not meet the statistical confidence thresholds required to predict the impact of this variant on NF1 protein function. In summary, the available evidence is currently insufficient to determine the role of this variant in disease. Therefore, it has been classified as a Variant of Uncertain Significance.

NM_001042492.3(NF1):c.3215G>A (p.Ser1072Asn)

Gene: NF1 (neurofibromin 1; plus strand). Cytogenetic location: 17q11.2.
Variant type: single nucleotide variant.
Coding change: c.3215G>A on transcript NM_001042492.3 (MANE Select); coding-DNA position 3215, G replaced by A.
Protein change: p.Ser1072Asn; replaces serine 1072 with asparagine.
Molecular consequence: missense variant.
Genome position (GRCh38, 1-based): chr17:31,232,090, G>A. VCF-style: chr17-31232090-G-A. GRCh37 (hg19) VCF-style: chr17-29559108-G-A.
Other names: c.3215G>A, p.Ser1072Asn (NM_000267.4); short protein forms S1072N.
Identifiers: ClinVar variation 660292 (VCV000660292.6), dbSNP rs1597718741, ClinGen allele CA398988628.
Genomic context (GRCh38, chr17:31,232,090, plus strand): 5'-TCATGGTCTCTAAATTTTTTTTTTTTTTTTTTTTTTTTTTCAGAGATTTGGACCAGGCAA[G>A]CATGGAAGCAGTAGTTTCACTTCTAGCTGGTCTCCCTCTGCAGCCTGAAGAAGGAGATGG-3'
Protein context (NP_001035957.1, residues 1062-1082): KCLTRDLDQA[Ser1072Asn]MEAVVSLLAG